The following is an entry in ClinVar:

ClinVar aggregate classification (germline): Uncertain significance (1 of 4 stars; one submission).

Submission:

CeGaT Center for Human Genetics Tuebingen
Classification: Uncertain significance. Last evaluated: 2026-09-01. Review status: criteria provided, single submitter. Criteria: CeGaT Center For Human Genetics Tuebingen Variant Classification Criteria Version 2. Collection method: clinical testing. Allele origin: germline. Affected: yes. Observed: 1 variant allele.
Comment: TTN: PM2, PVS1:Moderate

NM_001267550.2(TTN):c.4645+1G>A

Genes: TTN (titin; minus strand), LOC101927055 (uncharacterized LOC101927055; plus strand). Cytogenetic location: 2q31.2.
Variant type: single nucleotide variant.
Coding change: c.4645+1G>A on transcript NM_001267550.2 (MANE Select); the canonical splice donor site of the intron after coding-DNA position 4645, G replaced by A.
Molecular consequence: splice donor variant. On other transcripts: non-coding transcript variant (1).
Genome position (GRCh38, 1-based): chr2:178,777,419, C>T on the plus strand (G>A on the coding strand, the complement: TTN is on the minus strand). VCF-style: chr2-178777419-C-T. GRCh37 (hg19) VCF-style: chr2-179642146-C-T.
Other names: c.4507+1G>A (NM_003319.4, NM_133437.4, NM_133432.3); c.4645+1G>A (NM_133378.4, NM_001256850.1, NM_133379.5).
Identifiers: ClinVar variation 5041750 (VCV005041750.1).